The following is an entry in ClinVar:

ClinVar aggregate classification (germline): Uncertain significance. Review status: criteria provided, multiple submitters, no conflicts (2 of 4 stars). 2 submissions from 2 submitters: Uncertain significance (2). Last evaluated 2024-09-27.

Conditions:
Charcot-Marie-Tooth disease axonal type 2C (HMSN2C). Also called: CHARCOT-MARIE-TOOTH DISEASE, AXONAL, AUTOSOMAL DOMINANT, TYPE 2C; Charcot-Marie-Tooth Neuropathy Type 2C; Charcot-Marie-Tooth Disease Type 2, TRPV4-Related (CMT2C). Identifiers: Orphanet 99937, MedGen C1853710, MONDO:0011633, OMIM 606071.
Inborn genetic diseases. Identifiers: MedGen C0950123, MeSH D030342.

gnomAD v4.1: 1 of 1,614,134 alleles (0.000062%); highest among the groups gnomAD compares: Admixed American, 0.0017%; no homozygotes.

Submissions (2):

Ambry Genetics
Classification: Uncertain significance for Inborn genetic diseases. Last evaluated: 2024-09-27. Review status: criteria provided, single submitter. Criteria: Ambry Variant Classification Scheme 2023. Collection method: clinical testing. Allele origin: germline.

Labcorp Genetics (formerly Invitae), Labcorp
Classification: Uncertain significance for Charcot-Marie-Tooth disease axonal type 2C. Last evaluated: 2023-09-24. Review status: criteria provided, single submitter. Criteria: Invitae Variant Classification Sherloc (09022015). Collection method: clinical testing. Allele origin: germline.
Comment: In summary, the available evidence is currently insufficient to determine the role of this variant in disease. Therefore, it has been classified as a Variant of Uncertain Significance. Advanced modeling of protein sequence and biophysical properties (such as structural, functional, and spatial information, amino acid conservation, physicochemical variation, residue mobility, and thermodynamic stability) has been performed at Invitae for this missense variant, however the output from this modeling did not meet the statistical confidence thresholds required to predict the impact of this variant on TRPV4 protein function. This variant has not been reported in the literature in individuals affected with TRPV4-related conditions. This variant is present in population databases (no rsID available, gnomAD 0.003%). This sequence change replaces threonine, which is neutral and polar, with isoleucine, which is neutral and non-polar, at codon 343 of the TRPV4 protein (p.Thr343Ile).

NM_021625.5(TRPV4):c.1028C>T (p.Thr343Ile)

Gene: TRPV4 (transient receptor potential cation channel subfamily V member 4; minus strand). Cytogenetic location: 12q24.11.
Variant type: single nucleotide variant.
Coding change: c.1028C>T on transcript NM_021625.5 (MANE Select); coding-DNA position 1028, C replaced by T.
Protein change: p.Thr343Ile; replaces threonine 343 with isoleucine.
Molecular consequence: missense variant.
Genome position (GRCh38, 1-based): chr12:109,798,738, G>A on the plus strand (C>T on the coding strand, the complement: TRPV4 is on the minus strand). VCF-style: chr12-109798738-G-A. GRCh37 (hg19) VCF-style: chr12-110236543-G-A.
Other names: c.887C>T, p.Thr296Ile (NM_001177428.2, NM_001177433.2); c.926C>T, p.Thr309Ile (NM_001177431.2); c.1028C>T, p.Thr343Ile (NM_147204.3); short protein forms T296I, T309I, T343I.
Identifiers: ClinVar variation 2912198 (VCV002912198.4), dbSNP rs1378688714, ClinGen allele CA386654461.